The following is an entry in ClinVar:

NM_001927.4(DES):c.141C>A (p.Ser47Arg)

Gene: DES (desmin; plus strand). Cytogenetic location: 2q35.
Variant type: single nucleotide variant.
Coding change: c.141C>A on transcript NM_001927.4 (MANE Select); coding-DNA position 141, C replaced by A.
Protein change: p.Ser47Arg; replaces serine 47 with arginine.
Molecular consequence: missense variant.
Genome position (GRCh38, 1-based): chr2:219,418,603, C>A. VCF-style: chr2-219418603-C-A. GRCh37 (hg19) VCF-style: chr2-220283325-C-A.
Other names: c.141C>A, p.Ser47Arg (NM_001382708.1, NM_001382709.1, NM_001382710.1 and 3 more transcripts); short protein forms S47R.
Identifiers: ClinVar variation 1676333 (VCV001676333.4), dbSNP rs749028181, ClinGen allele CA2125032.

ClinVar aggregate classification (germline): Uncertain significance. Review status: criteria provided, multiple submitters, no conflicts (2 of 4 stars). 2 submissions from 2 submitters: Uncertain significance (2). Last evaluated 2024-09-21.

Conditions:
Desmin-related myofibrillar myopathy (MFM1). Also called: Desminopathy; Desmin related myopathy (former name); Desmin storage myopathy (former name); MYOFIBRILLAR MYOPATHY WITH ARRHYTHMOGENIC RIGHT VENTRICULAR CARDIOMYOPATHY; DESMIN-RELATED MYOPATHY WITH ARRHYTHMOGENIC RIGHT VENTRICULAR CARDIOMYOPATHY; Myofibrillar myopathy 1. Identifiers: Orphanet 363543, Orphanet 98909, MedGen C1832370, MONDO:0011076, OMIM 601419.

Submissions (2):

Labcorp Genetics (formerly Invitae), Labcorp
Classification: Uncertain significance for Desmin-related myofibrillar myopathy. Last evaluated: 2024-09-21. Review status: criteria provided, single submitter. Criteria: Invitae Variant Classification Sherloc (09022015). Collection method: clinical testing. Allele origin: germline.
Comment: This sequence change replaces serine, which is neutral and polar, with arginine, which is basic and polar, at codon 47 of the DES protein (p.Ser47Arg). The frequency data for this variant in the population databases is considered unreliable, as metrics indicate poor data quality at this position in the gnomAD database. This variant has not been reported in the literature in individuals affected with DES-related conditions. ClinVar contains an entry for this variant (Variation ID: 1676333). Invitae Evidence Modeling of protein sequence and biophysical properties (such as structural, functional, and spatial information, amino acid conservation, physicochemical variation, residue mobility, and thermodynamic stability) indicates that this missense variant is not expected to disrupt DES protein function with a negative predictive value of 80%. In summary, the available evidence is currently insufficient to determine the role of this variant in disease. Therefore, it has been classified as a Variant of Uncertain Significance.

GeneDx
Classification: Uncertain significance. Last evaluated: 2022-02-08. Review status: criteria provided, single submitter. Criteria: GeneDx Variant Classification Process June 2021. Collection method: clinical testing. Allele origin: germline. Affected: yes.
Comment: In silico analysis supports that this missense variant does not alter protein structure/function; Has not been previously published as pathogenic or benign to our knowledge